The following is an entry in ClinVar:

NM_138691.3(TMC1):c.997_998insCAATT (p.Asn333fs)

Gene: TMC1 (transmembrane channel like 1; plus strand). Cytogenetic location: 9q21.13.
Variant type: Insertion.
Coding change: c.997_998insCAATT on transcript NM_138691.3 (MANE Select); coding-DNA positions 997 to 998, CAATT inserted.
Protein change: p.Asn333fs; shifts the reading frame from asparagine 333.
Molecular consequence: frameshift variant.
Genome position: GRCh38 VCF-style: chr9-72788451-A-ACAATT. GRCh37 (hg19) VCF-style: chr9-75403367-A-ACAATT.
Other names: short protein forms N333fs.
Identifiers: ClinVar variation 3601925 (VCV003601925.1).

ClinVar aggregate classification (germline): Pathogenic (1 of 4 stars; one submission).

Conditions:
Autosomal recessive nonsyndromic hearing loss 7. Also called: DEAFNESS, AUTOSOMAL RECESSIVE 11. Identifiers: Orphanet 90636, MedGen C1832978, MONDO:0010967, OMIM 600974.

Submission:

Institute of Rare Diseases, West China Hospital, Sichuan University
Classification: Pathogenic for Autosomal recessive nonsyndromic hearing loss 7. Last evaluated: 2025-01-09. Review status: criteria provided, single submitter. Criteria: ClinGen HL ACMG Specifications v1. Collection method: research. Allele origin: germline. Affected: yes.
Comment: PVS1;PM3;PM2_Supporting